The following is an entry in ClinVar:

NM_022124.6(CDH23):c.7971C>A (p.Gly2657=)

Genes: CDH23 (cadherin related 23; plus strand), LOC111982869 (Sharpr-MPRA regulatory region 2121; plus strand). Cytogenetic location: 10q22.1.
Variant type: single nucleotide variant.
Coding change: c.7971C>A on transcript NM_022124.6 (MANE Select); coding-DNA position 7971, C replaced by A.
Protein change: p.Gly2657=; no amino-acid change (glycine 2657 retained).
Molecular consequence: synonymous variant.
Genome position (GRCh38, 1-based): chr10:71,805,904, C>A. VCF-style: chr10-71805904-C-A. GRCh37 (hg19) VCF-style: chr10-73565661-C-A.
Other names: c.1251C>A, p.Gly417= (NM_001171933.1, NM_001171934.1); c.7971C>A (NM_022124.5).
Identifiers: ClinVar variation 1664730 (VCV001664730.9), dbSNP rs2132983701, ClinGen allele CA470282340.

ClinVar aggregate classification (germline): Likely benign. Review status: criteria provided, multiple submitters, no conflicts (2 of 4 stars). 2 submissions from 2 submitters: Likely benign (2). Last evaluated 2024-10-09.

Conditions:
CDH23-related disorder. Also called: CDH23-related disorders; CDH23-related condition.

gnomAD v4.1: 5 of 1,613,708 alleles (0.00031%); highest among the groups gnomAD compares: Non-Finnish European, 0.00042%; no homozygotes.

Submissions (2):

PreventionGenetics, part of Exact Sciences
Classification: Likely benign for CDH23-related condition. Last evaluated: 2024-10-09. Review status: criteria provided, single submitter. Criteria: ACMG Guidelines, 2015. Collection method: clinical testing. Allele origin: germline.
Comment: This variant is classified as likely benign based on ACMG/AMP sequence variant interpretation guidelines (Richards et al. 2015 PMID: 25741868, with internal and published modifications).

Labcorp Genetics (formerly Invitae), Labcorp
Classification: Likely benign. Last evaluated: 2022-06-19. Review status: criteria provided, single submitter. Criteria: Invitae Variant Classification Sherloc (09022015). Collection method: clinical testing. Allele origin: germline.